The following is an entry in ClinVar:

NM_014251.3(SLC25A13):c.1012G>C (p.Ala338Pro)

Gene: SLC25A13 (solute carrier family 25 member 13; minus strand). Cytogenetic location: 7q21.3.
Variant type: single nucleotide variant.
Coding change: c.1012G>C on transcript NM_014251.3 (MANE Select); coding-DNA position 1012, G replaced by C.
Protein change: p.Ala338Pro; replaces alanine 338 with proline.
Molecular consequence: missense variant. On other transcripts: non-coding transcript variant (1).
Genome position (GRCh38, 1-based): chr7:96,184,933, C>G on the plus strand (G>C on the coding strand, the complement: SLC25A13 is on the minus strand). VCF-style: chr7-96184933-C-G. GRCh37 (hg19) VCF-style: chr7-95814245-C-G.
Other names: c.1015G>C, p.Ala339Pro (NM_001160210.2); short protein forms A338P, A339P.
Identifiers: ClinVar variation 1381902 (VCV001381902.5), dbSNP rs2116631318, ClinGen allele CA368260531.

ClinVar aggregate classification (germline): Uncertain significance (1 of 4 stars; one submission).

Conditions:
Citrin deficiency. Identifiers: Orphanet 247582, MedGen C1997910, MONDO:0016602.

Submission:

Labcorp Genetics (formerly Invitae), Labcorp
Classification: Uncertain significance for Citrin deficiency. Last evaluated: 2022-03-29. Review status: criteria provided, single submitter. Criteria: Invitae Variant Classification Sherloc (09022015). Collection method: clinical testing. Allele origin: germline.
Comment: This sequence change replaces alanine, which is neutral and non-polar, with proline, which is neutral and non-polar, at codon 338 of the SLC25A13 protein (p.Ala338Pro). This variant is not present in population databases (gnomAD no frequency). This variant has not been reported in the literature in individuals affected with SLC25A13-related conditions. Algorithms developed to predict the effect of missense changes on protein structure and function (SIFT, PolyPhen-2, Align-GVGD) all suggest that this variant is likely to be disruptive. In summary, the available evidence is currently insufficient to determine the role of this variant in disease. Therefore, it has been classified as a Variant of Uncertain Significance.